The following is an entry in ClinVar:

ClinVar aggregate classification (germline): Likely pathogenic (1 of 4 stars; one submission).

Submission:

Labcorp Genetics (formerly Invitae), Labcorp
Classification: Likely pathogenic. Last evaluated: 2025-12-19. Review status: criteria provided, single submitter. Criteria: Invitae Variant Classification Sherloc (09022015). Collection method: clinical testing. Allele origin: germline.
Comment: This sequence change affects an acceptor splice site in intron 11 of the DSG1 gene. It is expected to disrupt RNA splicing. Variants that disrupt the donor or acceptor splice site typically lead to a loss of protein function (PMID: 16199547), and loss-of-function variants in DSG1 are known to be pathogenic (PMID: 19018793, 23974871, 27534273, 27632246, 29604126). This variant is not present in population databases (gnomAD no frequency). Disruption of this splice site has been observed in individual(s) with autosomal dominant palmoplantar keratoderma (internal data). Algorithms developed to predict the effect of sequence changes on RNA splicing suggest that this variant may disrupt the consensus splice site. In summary, the currently available evidence indicates that the variant is pathogenic, but additional data are needed to prove that conclusively. Therefore, this variant has been classified as Likely Pathogenic.

Literature cited by the submitters: PubMed 16199547; PubMed 19018793; PubMed 23974871; PubMed 27534273; PubMed 27632246; PubMed 29604126.

NM_001942.4(DSG1):c.1688-2A>C

Genes: DSG1 (desmoglein 1; plus strand), DSG1-AS1 (DSG1 antisense RNA 1; minus strand). Cytogenetic location: 18q12.1.
Variant type: single nucleotide variant.
Coding change: c.1688-2A>C on transcript NM_001942.4 (MANE Select); the canonical splice acceptor site of the intron before coding-DNA position 1688, A replaced by C.
Molecular consequence: splice acceptor variant. On other transcripts: non-coding transcript variant (2).
Genome position (GRCh38, 1-based): chr18:31,343,448, A>C. VCF-style: chr18-31343448-A-C. GRCh37 (hg19) VCF-style: chr18-28923411-A-C.
Identifiers: ClinVar variation 4733601 (VCV004733601.1).
Genomic context (GRCh38, chr18:31,343,448, plus strand): 5'-GTTGTTTTGTTTTTTATTTGCACCCAGTGCTAACTCTAGTATTACTATCCCTCCACCACC[A>C]GTGGTCCCATTTTTGATGATCTGTTGTGATTGTGGAGGTGCTCCTCGTAGTGCAGCTGGC-3'